The following is an entry in ClinVar:

NM_032228.6(FAR1):c.256C>G (p.Leu86Val)

Gene: FAR1 (fatty acyl-CoA reductase 1; plus strand). Cytogenetic location: 11p15.3.
Variant type: single nucleotide variant.
Coding change: c.256C>G on transcript NM_032228.6 (MANE Select); coding-DNA position 256, C replaced by G.
Protein change: p.Leu86Val; replaces leucine 86 with valine.
Molecular consequence: missense variant.
Genome position (GRCh38, 1-based): chr11:13,700,383, C>G. VCF-style: chr11-13700383-C-G. GRCh37 (hg19) VCF-style: chr11-13721930-C-G.
Other names: short protein forms L86V.
Identifiers: ClinVar variation 2790757 (VCV002790757.3), dbSNP rs1848357986, ClinGen allele CA379856484.

ClinVar aggregate classification (germline): Uncertain significance (1 of 4 stars; one submission).

Allele frequency attached by ClinVar (database versions not stated): gnomAD exomes below 0.00001.
gnomAD v4.1: 1 of 1,602,380 alleles (0.000062%); highest among the groups gnomAD compares: Non-Finnish European, 0.000085%; no homozygotes.

Submission:

Labcorp Genetics (formerly Invitae), Labcorp
Classification: Uncertain significance. Last evaluated: 2023-01-23. Review status: criteria provided, single submitter. Criteria: Invitae Variant Classification Sherloc (09022015). Collection method: clinical testing. Allele origin: germline.
Comment: In summary, the available evidence is currently insufficient to determine the role of this variant in disease. Therefore, it has been classified as a Variant of Uncertain Significance. Advanced modeling of protein sequence and biophysical properties (such as structural, functional, and spatial information, amino acid conservation, physicochemical variation, residue mobility, and thermodynamic stability) performed at Invitae indicates that this missense variant is not expected to disrupt FAR1 protein function. This variant has not been reported in the literature in individuals affected with FAR1-related conditions. This variant is not present in population databases (gnomAD no frequency). This sequence change replaces leucine, which is neutral and non-polar, with valine, which is neutral and non-polar, at codon 86 of the FAR1 protein (p.Leu86Val).